The following is an entry in ClinVar:

ClinVar aggregate classification (germline): Benign (1 of 4 stars; one submission).

Conditions:
Cone-rod dystrophy 7 (CORD7). Identifiers: Orphanet 1872, MedGen C1863634, MONDO:0011355, OMIM 603649.

Allele frequency attached by ClinVar (database versions not stated): gnomAD 0.00065 and 0.00088; TOPMed 0.00072; gnomAD exomes 0.00113; 1000 Genomes Project 30x 0.00172; 1000 Genomes Project 0.00180.
gnomAD v4.1: 178 of 185,472 alleles (0.096%); highest among the groups gnomAD compares: South Asian, 0.73%; 2 homozygotes.

Submission:

Illumina Laboratory Services, Illumina
Classification: Benign for Cone-rod dystrophy 7. Last evaluated: 2018-01-12. Review status: criteria provided, single submitter. Criteria: ICSL Variant Classification Criteria 13 December 2019. Collection method: clinical testing. Allele origin: germline.
Comment: This variant was observed in the ICSL laboratory as part of a predisposition screen in an ostensibly healthy population. It had not been previously curated by ICSL or reported in the Human Gene Mutation Database (HGMD: prior to June 1st, 2018), and was therefore a candidate for classification through an automated scoring system. Utilizing variant allele frequency, disease prevalence and penetrance estimates, and inheritance mode, an automated score was calculated to assess if this variant is too frequent to cause the disease. Based on the score and internal cut-off values, a variant classified as benign is not then subjected to further curation. The score for this variant resulted in a classification of benign for this disease.

NM_014989.7(RIMS1):c.-302C>T

Genes: RIMS1 (regulating synaptic membrane exocytosis 1; plus strand), LOC129996707 (ATAC-STARR-seq lymphoblastoid silent region 17327; plus strand). Cytogenetic location: 6q13.
Variant type: single nucleotide variant.
Coding change: c.-302C>T on transcript NM_014989.7 (MANE Select); 302 bases upstream of the start codon, C replaced by T.
Molecular consequence: 5 prime UTR variant.
Genome position (GRCh38, 1-based): chr6:71,886,722, C>T. VCF-style: chr6-71886722-C-T. GRCh37 (hg19) VCF-style: chr6-72596425-C-T.
Other names: c.-302C>T (NM_001350411.1, NM_001350412.1, NM_001350413.1).
Identifiers: ClinVar variation 357821 (VCV000357821.5), dbSNP rs577898637, ClinGen allele CA10627483.